The following is an entry in ClinVar:

ClinVar aggregate classification (germline): Likely pathogenic. Review status: criteria provided, multiple submitters, no conflicts (2 of 4 stars). 4 submissions from 4 submitters: Likely pathogenic (3). 1 of the submissions does not count toward it. Last evaluated 2025-09-21.

Conditions:
MCCC1-related disorder. Also called: MCCC1-related condition.
3-methylcrotonyl-CoA carboxylase 1 deficiency (MCC1D). Also called: MCCD TYPE 1; METHYLCROTONYLGLYCINURIA TYPE I; MCC 1 deficiency; 3 Alpha methylcrotonylglycinuria 1. Identifiers: Orphanet 6, MedGen CN028786, MONDO:0008861, OMIM 210200.

Allele frequency attached by ClinVar (database versions not stated): gnomAD exomes below 0.00001 and 0.00002; ExAC 0.00003; gnomAD 0.00003 and 0.00004; TOPMed 0.00005.

Submissions (4):

Labcorp Genetics (formerly Invitae), Labcorp
Classification: Likely pathogenic for 3-methylcrotonyl-CoA carboxylase 1 deficiency. Last evaluated: 2025-09-21. Review status: criteria provided, single submitter. Criteria: Invitae Variant Classification Sherloc (09022015). Collection method: clinical testing. Allele origin: germline.
Comment: This sequence change affects the initiator codon of the MCCC1 mRNA. This change may impact translation initiation or efficiency. The next in-frame methionine is located at codon 39. This variant is present in population databases (rs762463914, gnomAD 0.02%). Disruption of the initiator codon has been observed in individual(s) with 3-methylcrotonyl-CoA carboxylase deficiency and/or elevated 3-methylcrotonylglycine (internal data). ClinVar contains an entry for this variant (Variation ID: 542951). Experimental studies and prediction algorithms are not available or were not evaluated, and the functional significance of this variant is currently unknown. In summary, the currently available evidence indicates that the variant is pathogenic, but additional data are needed to prove that conclusively. Therefore, this variant has been classified as Likely Pathogenic.

Fulgent Genetics
Classification: Likely pathogenic for 3-methylcrotonyl-CoA carboxylase 1 deficiency. Last evaluated: 2024-01-12. Review status: criteria provided, single submitter. Criteria: ACMG Guidelines, 2015. Collection method: clinical testing. Allele origin: germline.

PreventionGenetics, part of Exact Sciences
Classification: Likely pathogenic for MCCC1-related condition. Last evaluated: 2023-04-12. Review status: criteria provided, single submitter. Criteria: ACMG Guidelines, 2015. Collection method: clinical testing. Allele origin: germline.
Comment: The MCCC1 c.1A>G variant is predicted to disrupt the translation initiation site (Start loss). This variant was reported along with an MCCC1 frameshift variant in an individual with abnormal newborn screen results suggestive of 3-methylcrotonyl-CoA carboxylase (3-MCC) deficiency (Kim et al. 2017. DOI 10.5734/JGM.2017.14.1.23). To our knowledge, no other variants that disrupt the start codon have been reported in the literature. This variant and another (c.2T>C, p.Met1Thr) that are predicted to disrupt the start codon have been reported in ClinVar and interpreted as likely pathogenic based on internal laboratory data. This variant is reported in 0.023% of alleles in individuals of African descent in gnomAD. This variant is interpreted as likely pathogenic.

Natera, Inc.
Classification: Likely pathogenic for 3-methylcrotonyl-CoA carboxylase 1 deficiency. Last evaluated: 2020-11-03. Review status: no assertion criteria provided. Collection method: clinical testing. Allele origin: germline. Not counted in ClinVar's aggregate classification.

NM_020166.5(MCCC1):c.1A>G (p.Met1Val)

Genes: MCCC1 (methylcrotonyl-CoA carboxylase subunit 1; minus strand), LOC129938008 (ATAC-STARR-seq lymphoblastoid active region 20884; plus strand). Cytogenetic location: 3q27.1.
Variant type: single nucleotide variant.
Coding change: c.1A>G on transcript NM_020166.5 (MANE Select); coding-DNA position 1, A replaced by G.
Protein change: p.Met1Val; changes the start codon (methionine 1).
Molecular consequence: missense variant, initiator codon variant. On other transcripts: 5 prime UTR variant (2), non-coding transcript variant (1).
Genome position (GRCh38, 1-based): chr3:183,099,440, T>C on the plus strand (A>G on the coding strand, the complement: MCCC1 is on the minus strand). VCF-style: chr3-183099440-T-C. GRCh37 (hg19) VCF-style: chr3-182817228-T-C.
Other names: c.-92A>G (NM_001293273.2); c.-190A>G (NM_001363880.1); short protein forms M1V.
Identifiers: ClinVar variation 542951 (VCV000542951.16), dbSNP rs762463914, ClinGen allele CA2719251.